The following is an entry in ClinVar:

NM_004448.4(ERBB2):c.1318G>A (p.Ala440Thr)

Gene: ERBB2 (erb-b2 receptor tyrosine kinase 2; plus strand). Cytogenetic location: 17q12.
Variant type: single nucleotide variant.
Coding change: c.1318G>A on transcript NM_004448.4 (MANE Select); coding-DNA position 1318, G replaced by A.
Protein change: p.Ala440Thr; replaces alanine 440 with threonine.
Molecular consequence: missense variant. On other transcripts: non-coding transcript variant (1), intron variant (1).
Genome position (GRCh38, 1-based): chr17:39,715,744, G>A. VCF-style: chr17-39715744-G-A. GRCh37 (hg19) VCF-style: chr17-37871997-G-A.
Other names: c.1228G>A, p.Ala410Thr (NM_001005862.3, NM_001289938.2, NM_001382782.1 and 1 more transcripts); c.1273G>A, p.Ala425Thr (NM_001289936.2); c.1318G>A, p.Ala440Thr (NM_001289937.2, NM_001382785.1, NM_001382788.1 and 12 more transcripts); c.1435G>A, p.Ala479Thr (NM_001382784.1, NM_001382786.1); c.1393G>A, p.Ala465Thr (NM_001382787.1); c.1339G>A, p.Ala447Thr (NM_001382789.1); c.1309G>A, p.Ala437Thr (NM_001382791.1); c.1138G>A, p.Ala380Thr (NM_001382799.1); and 3 more; short protein forms A354T, A380T, A410T, A425T, A437T, A465T, A440T, A479T.
Identifiers: ClinVar variation 1400257 (VCV001400257.6), dbSNP rs756345214, ClinGen allele CA8533961.

ClinVar aggregate classification (germline): Uncertain significance (1 of 4 stars; one submission).

Allele frequency attached by ClinVar (database versions not stated): ExAC 0.00001; gnomAD exomes 0.00001 and 0.00008; TOPMed 0.00002; gnomAD 0.00004.
gnomAD v4.1: 126 of 1,605,936 alleles (0.0078%); highest among the groups gnomAD compares: Non-Finnish European, 0.01%; no homozygotes.

Submission:

Labcorp Genetics (formerly Invitae), Labcorp
Classification: Uncertain significance. Last evaluated: 2025-07-31. Review status: criteria provided, single submitter. Criteria: Invitae Variant Classification Sherloc (09022015). Collection method: clinical testing. Allele origin: germline.
Comment: This sequence change replaces alanine, which is neutral and non-polar, with threonine, which is neutral and polar, at codon 440 of the ERBB2 protein (p.Ala440Thr). The frequency data for this variant in the population databases is considered unreliable, as metrics indicate poor data quality at this position in the gnomAD database. This variant has not been reported in the literature in individuals affected with ERBB2-related conditions. ClinVar contains an entry for this variant (Variation ID: 1400257). Invitae Evidence Modeling of protein sequence and biophysical properties (such as structural, functional, and spatial information, amino acid conservation, physicochemical variation, residue mobility, and thermodynamic stability) indicates that this missense variant is not expected to disrupt ERBB2 protein function with a negative predictive value of 80%. In summary, the available evidence is currently insufficient to determine the role of this variant in disease. Therefore, it has been classified as a Variant of Uncertain Significance.